The following is an entry in ClinVar:

NM_001244008.2(KIF1A):c.3695G>T (p.Cys1232Phe)

Gene: KIF1A (kinesin family member 1A; minus strand). Cytogenetic location: 2q37.3.
Variant type: single nucleotide variant.
Coding change: c.3695G>T on transcript NM_001244008.2 (MANE Select); coding-DNA position 3695, G replaced by T.
Protein change: p.Cys1232Phe; replaces cysteine 1232 with phenylalanine.
Molecular consequence: missense variant.
Genome position (GRCh38, 1-based): chr2:240,741,323, C>A on the plus strand (G>T on the coding strand, the complement: KIF1A is on the minus strand). VCF-style: chr2-240741323-C-A. GRCh37 (hg19) VCF-style: chr2-241680740-C-A.
Other names: c.3419G>T, p.Cys1140Phe (NM_001320705.2, NM_001330289.2, NM_001379638.1); c.3494G>T, p.Cys1165Phe (NM_001330290.2, NM_001379634.1, NM_001379635.1 and 1 more transcripts); c.3770G>T, p.Cys1257Phe (NM_001379631.1); c.3644G>T, p.Cys1215Phe (NM_001379632.1); c.3668G>T, p.Cys1223Phe (NM_001379633.1, NM_001379642.1, NM_001379645.1); c.3392G>T, p.Cys1131Phe (NM_001379636.1, NM_001379639.1, NM_001379641.1 and 6 more transcripts); c.3467G>T, p.Cys1156Phe (NM_001379637.1, NM_001379648.1); c.3389G>T, p.Cys1130Phe (NM_001379640.1); short protein forms C1131F, C1257F, C1165F, C1215F, C1130F, C1156F, C1232F, C1140F.
Identifiers: ClinVar variation 1989396 (VCV001989396.4), dbSNP rs372549695, ClinGen allele CA351315415.

ClinVar aggregate classification (germline): Uncertain significance (1 of 4 stars; one submission).

Conditions:
Hereditary spastic paraplegia 30. Identifiers: Orphanet 101010, MedGen C5235139, MONDO:0012476.
Neuropathy, hereditary sensory, type 2C. Also called: Hereditary sensory and autonomic neuropathy type IIC; KIF1A-Related HSAN2 (HSAN2C). Identifiers: Orphanet 970, MedGen C3280168, MONDO:0013634, OMIM 614213.
Intellectual disability, autosomal dominant 9 (NESCAVS). Also called: NESCAV SYNDROME; KIF1A-Related Neurodevelopmental Disorder. Identifiers: Orphanet 662367, MedGen C5393830, MONDO:0013656, OMIM 614255.

Submission:

Labcorp Genetics (formerly Invitae), Labcorp
Classification: Uncertain significance for Hereditary spastic paraplegia 30; Neuropathy, hereditary sensory, type 2C; Intellectual disability, autosomal dominant 9. Last evaluated: 2022-08-30. Review status: criteria provided, single submitter. Criteria: Invitae Variant Classification Sherloc (09022015). Collection method: clinical testing. Allele origin: germline.
Comment: This variant is not present in population databases (gnomAD no frequency). This sequence change replaces cysteine, which is neutral and slightly polar, with phenylalanine, which is neutral and non-polar, at codon 1131 of the KIF1A protein (p.Cys1131Phe). This variant has not been reported in the literature in individuals affected with KIF1A-related conditions. Advanced modeling of protein sequence and biophysical properties (such as structural, functional, and spatial information, amino acid conservation, physicochemical variation, residue mobility, and thermodynamic stability) performed at Invitae indicates that this missense variant is not expected to disrupt KIF1A protein function. In summary, the available evidence is currently insufficient to determine the role of this variant in disease. Therefore, it has been classified as a Variant of Uncertain Significance.